The following is an entry in ClinVar:

ClinVar aggregate classification (germline): Uncertain significance. Review status: criteria provided, multiple submitters, no conflicts (2 of 4 stars). 3 submissions from 3 submitters: Uncertain significance (3). Last evaluated 2025-05-28.

Conditions:
Inborn genetic diseases. Identifiers: MedGen C0950123, MeSH D030342.

Allele frequency attached by ClinVar (database versions not stated): ExAC 0.00002; gnomAD exomes 0.00002; gnomAD 0.00003; TOPMed 0.00004.
gnomAD v4.1: 36 of 1,580,630 alleles (0.0023%); highest among the groups gnomAD compares: Non-Finnish European, 0.0029%; no homozygotes.

Submissions (3):

GeneDx
Classification: Uncertain significance. Last evaluated: 2025-05-28. Review status: criteria provided, single submitter. Criteria: GeneDx Variant Classification Process June 2021. Collection method: clinical testing. Allele origin: germline.
Comment: Not observed at significant frequency in large population cohorts (gnomAD); In silico analysis supports that this missense variant has a deleterious effect on protein structure/function; Has not been previously published as pathogenic or benign to our knowledge

Ambry Genetics
Classification: Uncertain significance for Inborn genetic diseases. Last evaluated: 2023-12-16. Review status: criteria provided, single submitter. Criteria: Ambry Variant Classification Scheme 2023. Collection method: clinical testing. Allele origin: germline.

Labcorp Genetics (formerly Invitae), Labcorp
Classification: Uncertain significance. Last evaluated: 2022-02-27. Review status: criteria provided, single submitter. Criteria: Invitae Variant Classification Sherloc (09022015). Collection method: clinical testing. Allele origin: germline.
Comment: This sequence change replaces asparagine, which is neutral and polar, with serine, which is neutral and polar, at codon 190 of the MECR protein (p.Asn190Ser). The frequency data for this variant in the population databases is considered unreliable, as metrics indicate poor data quality at this position in the gnomAD database. This variant has not been reported in the literature in individuals affected with MECR-related conditions. Algorithms developed to predict the effect of missense changes on protein structure and function are either unavailable or do not agree on the potential impact of this missense change (SIFT: "Deleterious"; PolyPhen-2: "Benign"; Align-GVGD: "Class C0"). In summary, the available evidence is currently insufficient to determine the role of this variant in disease. Therefore, it has been classified as a Variant of Uncertain Significance.

NM_016011.5(MECR):c.569A>G (p.Asn190Ser)

Gene: MECR (mitochondrial trans-2-enoyl-CoA reductase; minus strand). Cytogenetic location: 1p35.3.
Variant type: single nucleotide variant.
Coding change: c.569A>G on transcript NM_016011.5 (MANE Select); coding-DNA position 569, A replaced by G.
Protein change: p.Asn190Ser; replaces asparagine 190 with serine.
Molecular consequence: missense variant. On other transcripts: non-coding transcript variant (3).
Genome position (GRCh38, 1-based): chr1:29,203,215, T>C on the plus strand (A>G on the coding strand, the complement: MECR is on the minus strand). VCF-style: chr1-29203215-T-C. GRCh37 (hg19) VCF-style: chr1-29529727-T-C.
Other names: c.341A>G, p.Asn114Ser (NM_001024732.4, NM_001349711.2, NM_001349712.2 and 2 more transcripts); c.674A>G, p.Asn225Ser (NM_001349715.2); c.653A>G, p.Asn218Ser (NM_001349716.2); c.419A>G, p.Asn140Ser (NM_001349717.2); c.569A>G (NM_016011.2); short protein forms N140S, N190S, N218S, N225S, N114S.
Identifiers: ClinVar variation 1985989 (VCV001985989.4), dbSNP rs755442364, ClinGen allele CA725757.
Genomic context (GRCh38, chr1:29,203,215, plus strand): 5'-CTTAGGCCCAGGGCTGCGGCGATCTGGATGACTGCTTGCCCCACTCCGCTGTTGGATGCA[T>C]TCTGGATGACAGAATCCCCTGTGGAGCCAGGAAGAGAACCAAATCAAGCCCTGTATAGAT-3'
Protein context (NP_057095.4, residues 180-200): QLQPGDSVIQ[Asn190Ser]ASNSGVGQAV